The following is an entry in ClinVar:

NM_002294.3(LAMP2):c.*2183T>C

Gene: LAMP2 (lysosome associated membrane protein 2; minus strand). Cytogenetic location: Xq24.
Variant type: single nucleotide variant.
Coding change: c.*2183T>C on transcript NM_002294.3 (MANE Select); 2183 bases downstream of the stop codon, T replaced by C.
Molecular consequence: 3 prime UTR variant. On other transcripts: intron variant (1).
Genome position (GRCh38, 1-based): chrX:120,429,140, A>G on the plus strand (T>C on the coding strand, the complement: LAMP2 is on the minus strand). VCF-style: chrX-120429140-A-G. GRCh37 (hg19) VCF-style: chrX-119562995-A-G.
Other names: c.1094-514T>C (NM_001122606.1).
Identifiers: ClinVar variation 367760 (VCV000367760.6), dbSNP rs765214315, ClinGen allele CA10653746.

ClinVar aggregate classification (germline): Benign (1 of 4 stars; one submission).

Conditions:
Danon disease. Also called: ANTOPOL DISEASE; PSEUDOGLYCOGENOSIS II; GSD IIb; LYSOSOMAL GLYCOGEN STORAGE DISEASE WITHOUT ACID MALTASE DEFICIENCY; Glycogen Storage Disease Type IIb. Identifiers: Orphanet 34587, MedGen C0878677, MONDO:0010281, OMIM 300257.

Allele frequency attached by ClinVar (database versions not stated): gnomAD exomes below 0.00001; gnomAD 0.00006 and 0.00010; TOPMed 0.00007; 1000 Genomes Project 30x 0.00104; 1000 Genomes Project 0.00132.
gnomAD v4.1: 13 of 681,405 alleles (0.0019%); highest among the groups gnomAD compares: East Asian, 0.096%; no homozygotes.

Submission:

Illumina Laboratory Services, Illumina
Classification: Benign for Danon disease. Last evaluated: 2018-01-13. Review status: criteria provided, single submitter. Criteria: ICSL Variant Classification Criteria 13 December 2019. Collection method: clinical testing. Allele origin: germline.
Comment: This variant was observed in the ICSL laboratory as part of a predisposition screen in an ostensibly healthy population. It had not been previously curated by ICSL or reported in the Human Gene Mutation Database (HGMD: prior to June 1st, 2018), and was therefore a candidate for classification through an automated scoring system. Utilizing variant allele frequency, disease prevalence and penetrance estimates, and inheritance mode, an automated score was calculated to assess if this variant is too frequent to cause the disease. Based on the score and internal cut-off values, a variant classified as benign is not then subjected to further curation. The score for this variant resulted in a classification of benign for this disease.